The following is an entry in ClinVar:

ClinVar aggregate classification (germline): Benign. Review status: criteria provided, multiple submitters, no conflicts (2 of 4 stars). 10 submissions from 9 submitters: Benign (9). 1 of the submissions does not count toward it. Last evaluated 2026-06-26.

Conditions:
Usher syndrome type 1 (USH1). Also called: RETINITIS PIGMENTOSA AND CONGENITAL DEAFNESS. Identifiers: Orphanet 231169, Orphanet 886, MedGen C1568247, MONDO:0010168, OMIM 276900.
Usher syndrome type 1D (USH1D). Also called: USHER SYNDROME, TYPE ID. Identifiers: Orphanet 231169, Orphanet 886, MedGen C1832845, MONDO:0010984, OMIM 601067.
Autosomal recessive nonsyndromic hearing loss 12. Also called: DEAFNESS, AUTOSOMAL RECESSIVE 12. Identifiers: Orphanet 90636, MedGen C1832394, MONDO:0011067, OMIM 601386.

Allele frequency attached by ClinVar (database versions not stated): ExAC 0.01767; TOPMed 0.01245; ESP Exome Variant Server 0.00657; 1000 Genomes Project 30x 0.02046; gnomAD 0.00950 and 0.01088; 1000 Genomes Project 0.02196; gnomAD exomes 0.01171 and 0.01807.
gnomAD v4.1: 19,056 of 1,613,950 alleles (1.2%); highest among the groups gnomAD compares: East Asian, 8%; 354 homozygotes.

Submissions (10):

Women's Health and Genetics/Laboratory Corporation of America, LabCorp
Classification: Benign. Last evaluated: 2026-06-26. Review status: criteria provided, single submitter. Criteria: LabCorp Variant Classification Summary - May 2015. Collection method: clinical testing. Allele origin: germline.

Labcorp Genetics (formerly Invitae), Labcorp
Classification: Benign. Last evaluated: 2026-02-04. Review status: criteria provided, single submitter. Criteria: Invitae Variant Classification Sherloc (09022015). Collection method: clinical testing. Allele origin: germline.

ARUP Laboratories, Molecular Genetics and Genomics, ARUP Laboratories
Classification: Benign. Last evaluated: 2023-10-11. Review status: criteria provided, single submitter. Criteria: ARUP Molecular Germline Variant Investigation Process 2024. Collection method: clinical testing. Allele origin: germline.

Illumina Laboratory Services, Illumina
Classification: Benign for Usher syndrome type 1D. Last evaluated: 2017-04-27. Review status: criteria provided, single submitter. Criteria: ICSL Variant Classification Criteria 13 December 2019. Collection method: clinical testing. Allele origin: germline.
Comment: This variant was observed as part of a predisposition screen in an ostensibly healthy population. A literature search was performed for the gene, cDNA change, and amino acid change (where applicable). Publications were found based on this search. The evidence from the literature, in combination with allele frequency data from public databases where available, was sufficient to rule this variant out of causing disease. Therefore, this variant is classified as benign.

Illumina Laboratory Services, Illumina
Classification: Benign for Autosomal recessive nonsyndromic hearing loss 12. Last evaluated: 2017-04-27. Review status: criteria provided, single submitter. Criteria: ICSL Variant Classification Criteria 13 December 2019. Collection method: clinical testing. Allele origin: germline.
Comment: the same text as in the submission from Illumina Laboratory Services, Illumina above.

Eurofins Ntd Llc (ga)
Classification: Benign. Last evaluated: 2014-11-07. Review status: criteria provided, single submitter. Criteria: EGL Classification Definitions 2015. Collection method: clinical testing. Allele origin: germline. Observed: 2 variant alleles, 2 heterozygotes.

GeneDx
Classification: Benign. Last evaluated: 2013-05-12. Review status: criteria provided, single submitter. Criteria: GeneDx Variant Classification (06012015). Collection method: clinical testing. Allele origin: germline. Affected: yes.
Comment: This variant is considered likely benign or benign based on one or more of the following criteria: it is a conservative change, it occurs at a poorly conserved position in the protein, it is predicted to be benign by multiple in silico algorithms, and/or has population frequency not consistent with disease.

Laboratory for Molecular Medicine, Mass General Brigham Personalized Medicine
Classification: Benign. Last evaluated: 2013-03-09. Review status: criteria provided, single submitter. Criteria: LMM Criteria. Collection method: clinical testing. Allele origin: germline. Observed: 74 variant alleles.
Comment: Pro346Pro in Exon 11A of CDH23: This variant is not expected to have clinical si gnificance because it does not alter an amino acid residue, is not located withi n the splice consensus sequence, and has been identified in 0.9% (81/8568) of Eu ropean American chromosomes from a broad population by the NHLBI Exome Sequencin g Project (dbSNP rs74608315).

Breakthrough Genomics
Classification: Benign. Review status: criteria provided, single submitter. Criteria: ACMG Guidelines, 2015. Collection method: not provided. Allele origin: germline. Inheritance: Autosomal recessive inheritance. Affected: yes.

Natera, Inc.
Classification: Benign for Usher syndrome type 1. Last evaluated: 2020-09-16. Review status: no assertion criteria provided. Collection method: clinical testing. Allele origin: germline. Not counted in ClinVar's aggregate classification.

Literature cited by the submitters: PubMed 18429043 (cited by Illumina Laboratory Services, Illumina and Laboratory for Molecular Medicine, Mass General Brigham Personalized Medicine); PubMed 12075507 (cited by Illumina Laboratory Services, Illumina and Laboratory for Molecular Medicine, Mass General Brigham Personalized Medicine); PubMed 17850630 (cited by Illumina Laboratory Services, Illumina).

NM_022124.6(CDH23):c.1038G>A (p.Pro346=)

Gene: CDH23 (cadherin related 23; plus strand). Cytogenetic location: 10q22.1.
Variant type: single nucleotide variant.
Coding change: c.1038G>A on transcript NM_022124.6 (MANE Select); coding-DNA position 1038, G replaced by A.
Protein change: p.Pro346=; no amino-acid change (proline 346 retained).
Molecular consequence: synonymous variant.
Genome position (GRCh38, 1-based): chr10:71,617,297, G>A. VCF-style: chr10-71617297-G-A. GRCh37 (hg19) VCF-style: chr10-73377054-G-A.
Other names: p.P346P:CCG>CCA; c.1038G>A, p.Pro346= (NM_001171930.2, NM_001171931.2, NM_001171932.2 and 1 more transcripts).
Identifiers: ClinVar variation 44112 (VCV000044112.33), dbSNP rs74608315, ClinGen allele CA133601.